The following is an entry in ClinVar:

ClinVar aggregate classification (germline): Uncertain significance (1 of 4 stars; one submission).

Conditions:
Hyperkalemic periodic paralysis. Also called: Familial hyperkalemic periodic paralysis; Gamstorp disease. Identifiers: Orphanet 682, MedGen C0238357, MONDO:0008224, OMIM 170500, HP:0007215.

Submission:

Labcorp Genetics (formerly Invitae), Labcorp
Classification: Uncertain significance for Hyperkalemic periodic paralysis. Last evaluated: 2024-09-05. Review status: criteria provided, single submitter. Criteria: Invitae Variant Classification Sherloc (09022015). Collection method: clinical testing. Allele origin: germline.
Comment: This sequence change replaces glycine, which is neutral and non-polar, with serine, which is neutral and polar, at codon 1178 of the SCN4A protein (p.Gly1178Ser). This variant is not present in population databases (gnomAD no frequency). This variant has not been reported in the literature in individuals affected with SCN4A-related conditions. Invitae Evidence Modeling of protein sequence and biophysical properties (such as structural, functional, and spatial information, amino acid conservation, physicochemical variation, residue mobility, and thermodynamic stability) indicates that this missense variant is expected to disrupt SCN4A protein function with a positive predictive value of 95%. In summary, the available evidence is currently insufficient to determine the role of this variant in disease. Therefore, it has been classified as a Variant of Uncertain Significance.

NM_000334.4(SCN4A):c.3532G>A (p.Gly1178Ser)

Genes: GH-LCR (growth hormone locus control region; plus strand), SCN4A (sodium voltage-gated channel alpha subunit 4; minus strand). Cytogenetic location: 17q23.3.
Variant type: single nucleotide variant.
Coding change: c.3532G>A on transcript NM_000334.4 (MANE Select); coding-DNA position 3532, G replaced by A.
Protein change: p.Gly1178Ser; replaces glycine 1178 with serine.
Molecular consequence: missense variant.
Genome position (GRCh38, 1-based): chr17:63,945,548, C>T on the plus strand (G>A on the coding strand, the complement: SCN4A is on the minus strand). VCF-style: chr17-63945548-C-T. GRCh37 (hg19) VCF-style: chr17-62022908-C-T.
Other names: short protein forms G1178S.
Identifiers: ClinVar variation 3626862 (VCV003626862.2).